The following is an entry in ClinVar:

ClinVar aggregate classification (germline): Uncertain significance (1 of 4 stars; one submission).

Conditions:
Hereditary cancer-predisposing syndrome. Also called: Tumor predisposition; Hereditary neoplastic syndrome; Neoplastic Syndromes, Hereditary; Hereditary Cancer Syndrome. Identifiers: Orphanet 140162, MedGen C0027672, MeSH D009386, MONDO:0015356.

gnomAD v4.1: 3 of 1,614,148 alleles (0.00019%); highest among the groups gnomAD compares: Non-Finnish European, 0.00025%; no homozygotes.

Submission:

Ambry Genetics
Classification: Uncertain significance for Hereditary cancer-predisposing syndrome. Last evaluated: 2025-04-06. Review status: criteria provided, single submitter. Criteria: Ambry Variant Classification Scheme 2023. Collection method: clinical testing. Allele origin: germline.
Comment: The p.P419A variant (also known as c.1255C>G), located in coding exon 12 of the FANCC gene, results from a C to G substitution at nucleotide position 1255. The proline at codon 419 is replaced by alanine, an amino acid with highly similar properties. This amino acid position is conserved. In addition, this alteration is predicted to be tolerated by in silico analysis. Based on the available evidence, the clinical significance of this variant remains unclear.

NM_000136.3(FANCC):c.1255C>G (p.Pro419Ala)

Genes: AOPEP (aminopeptidase O (putative); plus strand), FANCC (FA complementation group C; minus strand). Cytogenetic location: 9q22.32.
Variant type: single nucleotide variant.
Coding change: c.1255C>G on transcript NM_000136.3 (MANE Select); coding-DNA position 1255, C replaced by G.
Protein change: p.Pro419Ala; replaces proline 419 with alanine.
Molecular consequence: missense variant.
Genome position (GRCh38, 1-based): chr9:95,111,537, G>C on the plus strand (C>G on the coding strand, the complement: FANCC is on the minus strand). VCF-style: chr9-95111537-G-C. GRCh37 (hg19) VCF-style: chr9-97873819-G-C.
Other names: c.1255C>G, p.Pro419Ala (NM_001243743.2, NM_001243744.2); short protein forms P419A.
Identifiers: ClinVar variation 4022404 (VCV004022404.1).
Genomic context (GRCh38, chr9:95,111,537, plus strand): 5'-TCTGCTGCCTCCCATCACGGGGGCCGTAGTAGAAGGCCAAGAGCCACAGCAGGGCCGTGG[G>C]GGGTTCGGCTGCCGACATCAGTAATTGCTCTGCCACCATCTCAGCCCATCCTCCGAAGTG-3'
Protein context (NP_000127.2, residues 409-429): EQLLMSAAEP[Pro419Ala]TALLWLLAFY